The following is an entry in ClinVar:

ClinVar aggregate classification (germline): Likely benign. Review status: criteria provided, single submitter (1 of 4 stars). 2 submissions from 2 submitters: Likely benign (1). 1 of the submissions does not count toward it. Last evaluated 2024-03-05.

Conditions:
PLEKHG5-related disorder. Also called: PLEKHG5-related condition.
Neuronopathy, distal hereditary motor, autosomal recessive 4. Also called: NEUROPATHY, DISTAL HEREDITARY MOTOR, AUTOSOMAL RECESSIVE 4; Autosomal recessive lower motor neuron disease with childhood onset. Identifiers: Orphanet 206580, MedGen C1970211, MONDO:0012608, OMIM 611067.
Charcot-Marie-Tooth disease recessive intermediate C. Also called: CHARCOT-MARIE-TOOTH NEUROPATHY, RECESSIVE INTERMEDIATE C. Identifiers: Orphanet 369867, MedGen C3809309, MONDO:0014154, OMIM 615376.

Allele frequency attached by ClinVar (database versions not stated): gnomAD exomes 0.00002 and 0.00004; ExAC 0.00006.
gnomAD v4.1: 28 of 1,614,030 alleles (0.0017%); highest among the groups gnomAD compares: Middle Eastern, 0.016%; no homozygotes.

Submissions (2):

Labcorp Genetics (formerly Invitae), Labcorp
Classification: Likely benign for Neuronopathy, distal hereditary motor, autosomal recessive 4; Charcot-Marie-Tooth disease recessive intermediate C. Last evaluated: 2024-03-05. Review status: criteria provided, single submitter. Criteria: Invitae Variant Classification Sherloc (09022015). Collection method: clinical testing. Allele origin: germline.

PreventionGenetics, part of Exact Sciences
Classification: Likely benign for PLEKHG5-related condition. Last evaluated: 2019-06-26. Review status: no assertion criteria provided. Collection method: clinical testing. Allele origin: germline. Not counted in ClinVar's aggregate classification.
Comment: This variant is classified as likely benign based on ACMG/AMP sequence variant interpretation guidelines (Richards et al. 2015 PMID: 25741868, with internal and published modifications).

NM_020631.6(PLEKHG5):c.2034C>T (p.Thr678=)

Gene: PLEKHG5 (pleckstrin homology and RhoGEF domain containing G5; minus strand). Cytogenetic location: 1p36.31.
Variant type: single nucleotide variant.
Coding change: c.2034C>T on transcript NM_020631.6 (MANE Select); coding-DNA position 2034, C replaced by T.
Protein change: p.Thr678=; no amino-acid change (threonine 678 retained).
Molecular consequence: synonymous variant.
Genome position (GRCh38, 1-based): chr1:6,469,350, G>A on the plus strand (C>T on the coding strand, the complement: PLEKHG5 is on the minus strand). VCF-style: chr1-6469350-G-A. GRCh37 (hg19) VCF-style: chr1-6529410-G-A.
Other names: c.2145C>T, p.Thr715= (NM_001042663.3, NM_001265592.2); c.2034C>T, p.Thr678= (NM_001042664.2, NM_001042665.2, NM_001265594.3 and 1 more transcripts); c.2241C>T, p.Thr747= (NM_001265593.2).
Identifiers: ClinVar variation 703918 (VCV000703918.13), dbSNP rs755808760, ClinGen allele CA561279.